The following is an entry in ClinVar:

NM_152296.5(ATP1A3):c.2611G>C (p.Gly871Arg)

Gene: ATP1A3 (ATPase Na+/K+ transporting subunit alpha 3; minus strand). Cytogenetic location: 19q13.2.
Variant type: single nucleotide variant.
Coding change: c.2611G>C on transcript NM_152296.5 (MANE Select); coding-DNA position 2611, G replaced by C.
Protein change: p.Gly871Arg; replaces glycine 871 with arginine.
Molecular consequence: missense variant.
Genome position (GRCh38, 1-based): chr19:41,969,512, C>G on the plus strand (G>C on the coding strand, the complement: ATP1A3 is on the minus strand). VCF-style: chr19-41969512-C-G. GRCh37 (hg19) VCF-style: chr19-42473664-C-G.
Other names: c.2644G>C, p.Gly882Arg (NM_001256213.2); c.2650G>C, p.Gly884Arg (NM_001256214.2); short protein forms G871R, G882R, G884R.
Identifiers: ClinVar variation 5008467 (VCV005008467.1).

ClinVar aggregate classification (germline): Uncertain significance (1 of 4 stars; one submission).

Submission:

GeneDx
Classification: Uncertain significance. Last evaluated: 2026-02-21. Review status: criteria provided, single submitter. Criteria: GeneDx Variant Classification Process June 2021. Collection method: clinical testing. Allele origin: germline.
Comment: In silico analysis suggests that this missense variant does not alter protein structure/function; Not observed at significant frequency in large population cohorts (gnomAD); Has not been previously published as pathogenic or benign to our knowledge